The following is an entry in ClinVar:

ClinVar aggregate classification (germline): Uncertain significance (1 of 4 stars; one submission).

Submission:

GeneDx
Classification: Uncertain significance. Last evaluated: 2023-05-10. Review status: criteria provided, single submitter. Criteria: GeneDx Variant Classification Process June 2021. Collection method: clinical testing. Allele origin: germline. Affected: yes.
Comment: Not observed at significant frequency in large population cohorts (gnomAD); Frameshift variant predicted to result in protein truncation or nonsense mediated decay in a gene or region of a gene for which loss of function is not a well-established mechanism of disease; Has not been previously published as pathogenic or benign to our knowledge; Variants in candidate genes are classified as variants of uncertain significance in accordance with ACMG guidelines (Richards et al., 2015)

NM_024721.5(ZFHX4):c.3578dup (p.Glu1195fs)

Gene: ZFHX4 (zinc finger homeobox 4; plus strand). Cytogenetic location: 8q21.13.
Variant type: Duplication.
Coding change: c.3578dup on transcript NM_024721.5 (MANE Select); coding-DNA position 3578, one base duplicated (C; older notation c.3578dupC).
Protein change: p.Glu1195fs; shifts the reading frame from glutamic acid 1195.
Molecular consequence: frameshift variant.
Genome position (GRCh38, 1-based): chr8:76,849,061, C duplicated. VCF-style (leftmost placement, unchanged base first): chr8-76849060-G-GC. GRCh37 (hg19) VCF-style: chr8-77761296-G-GC.
Other names: c.3500dup, p.Glu1169fs (NM_001410934.1); short protein forms E1169fs, E1195fs.
Identifiers: ClinVar variation 3900293 (VCV003900293.1).